The following is an entry in ClinVar:

NM_025114.4(CEP290):c.4653A>G (p.Gln1551=)

Gene: CEP290 (centrosomal protein 290; minus strand). Cytogenetic location: 12q21.32.
Variant type: single nucleotide variant.
Coding change: c.4653A>G on transcript NM_025114.4 (MANE Select); coding-DNA position 4653, A replaced by G.
Protein change: p.Gln1551=; no amino-acid change (glutamine 1551 retained).
Molecular consequence: synonymous variant.
Genome position (GRCh38, 1-based): chr12:88,084,637, T>C on the plus strand (A>G on the coding strand, the complement: CEP290 is on the minus strand). VCF-style: chr12-88084637-T-C. GRCh37 (hg19) VCF-style: chr12-88478414-T-C.
Other names: c.4653A>G (NM_025114.3).
Identifiers: ClinVar variation 1148717 (VCV001148717.12), dbSNP rs2137183063, ClinGen allele CA481076435.

ClinVar aggregate classification (germline): Likely benign. Review status: criteria provided, single submitter (1 of 4 stars). 2 submissions from 2 submitters: Likely benign (1). 1 of the submissions does not count toward it. Last evaluated 2020-03-31.

Conditions:
Joubert syndrome. Also called: CEREBELLOPARENCHYMAL DISORDER IV; JOUBERT-BOLTSHAUSER SYNDROME; Familial aplasia of the vermis. Identifiers: Orphanet 475, MedGen C5979921, MONDO:0018772.
Nephronophthisis. Also called: Juvenile Nephronophthisis. Identifiers: Orphanet 655, MedGen C0687120, MONDO:0019005, HP:0000090.
Meckel-Gruber syndrome. Also called: DYSENCEPHALIA SPLANCHNOCYSTICA; GRUBER SYNDROME; Dysencephalia splachnocystica. Identifiers: Orphanet 564, MedGen C0265215, MONDO:0018921.
CEP290-related disorder. Also called: CEP290-related disorders; CEP290-related condition. Identifiers: MedGen CN239314.

Submissions (2):

Labcorp Genetics (formerly Invitae), Labcorp
Classification: Likely benign for Joubert syndrome; Meckel-Gruber syndrome; Nephronophthisis. Last evaluated: 2020-03-31. Review status: criteria provided, single submitter. Criteria: Invitae Variant Classification Sherloc (09022015). Collection method: clinical testing. Allele origin: germline.

PreventionGenetics, part of Exact Sciences
Classification: Likely benign for CEP290-related condition. Last evaluated: 2024-09-28. Review status: no assertion criteria provided. Collection method: clinical testing. Allele origin: germline. Not counted in ClinVar's aggregate classification.
Comment: This variant is classified as likely benign based on ACMG/AMP sequence variant interpretation guidelines (Richards et al. 2015 PMID: 25741868, with internal and published modifications).